The following is an entry in ClinVar:

ClinVar aggregate classification (germline): Pathogenic/Likely pathogenic. Review status: criteria provided, multiple submitters, no conflicts (2 of 4 stars). 6 submissions from 5 submitters: Pathogenic (1); Likely pathogenic (3). 2 of the submissions do not count toward it. Last evaluated 2024-06-07.

Conditions:
Microcephaly. Also called: Microcephaly (disease). Identifiers: MedGen C4551563, MONDO:0001149, HP:0000252.
Movement disorder. Also called: Movement disorders; Abnormality of movement. Identifiers: MedGen C0026650, MONDO:0005395, HP:0100022.
Sparse hair. Identifiers: MedGen C5551005, HP:0008070.
Severe intellectual disability. Identifiers: MedGen C0036857, HP:0010864.
Intellectual disability. Also called: Intellectual functioning disability; intellectual disabilities; Intellectual developmental disorder. Identifiers: MedGen C3714756, MeSH D008607, MONDO:0001071, HP:0001249.
GRACILE syndrome (FLNMS). Also called: FELLMAN SYNDROME; FINNISH LETHAL NEONATAL METABOLIC SYNDROME. Identifiers: Orphanet 53693, MedGen C1864002, MONDO:0011308, OMIM 603358.
Pili torti-deafness syndrome (BJS). Also called: PILI TORTI AND NERVE DEAFNESS; Bjornstad syndrome. Identifiers: Orphanet 123, MedGen C0266006, MONDO:0009872, OMIM 262000.

Allele frequency attached by ClinVar (database versions not stated): gnomAD 0.00001; gnomAD exomes 0.00001; TOPMed 0.00001; ExAC 0.00002; ESP Exome Variant Server 0.00008.

Submissions (6):

Natera, Inc.
Classification: Likely pathogenic for GRACILE syndrome. Last evaluated: 2024-06-07. Review status: criteria provided, single submitter. Criteria: Natera Variant Classification Schema (03/2026). Collection method: clinical testing. Allele origin: germline.
Comment: The c.268C>T variant in BCS1L is a missense variant predicted to cause substitution of arginine to cysteine at amino acid 90. This variant is rare in the general population with a frequency below the threshold expected for the associated phenotype(s). This variant has been observed in one or more individuals affected with the associated recessive disease, as either homozygous or compound heterozygous with a second variant (PMID: 22277967, 34650211). Additionally, this variant has been observed to segregate in affected family members (PMID: 34650211). Given the available evidence, this variant is classified as Likely Pathogenic.

Labcorp Genetics (formerly Invitae), Labcorp
Classification: Pathogenic. Last evaluated: 2023-10-04. Review status: criteria provided, single submitter. Criteria: Invitae Variant Classification Sherloc (09022015). Collection method: clinical testing. Allele origin: germline.
Comment: This sequence change replaces arginine, which is basic and polar, with cysteine, which is neutral and slightly polar, at codon 90 of the BCS1L protein (p.Arg90Cys). This variant is present in population databases (rs369691608, gnomAD 0.003%). This missense change has been observed in individual(s) with BCS1L-related conditions (PMID: 22277967, 34650211). In at least one individual the data is consistent with being in trans (on the opposite chromosome) from a pathogenic variant. It has also been observed to segregate with disease in related individuals. ClinVar contains an entry for this variant (Variation ID: 625207). Advanced modeling of protein sequence and biophysical properties (such as structural, functional, and spatial information, amino acid conservation, physicochemical variation, residue mobility, and thermodynamic stability) performed at Invitae indicates that this missense variant is expected to disrupt BCS1L protein function. Experimental studies have shown that this missense change affects BCS1L function (PMID: 22277967). For these reasons, this variant has been classified as Pathogenic.

Baylor Genetics
Classification: Likely pathogenic for Pili torti-deafness syndrome. Last evaluated: 2023-10-01. Review status: criteria provided, single submitter. Criteria: ACMG Guidelines, 2015. Collection method: clinical testing. Allele origin: unknown.

Raymond Lab, University of Cambridge
Classification: Likely pathogenic for Intellectual disability. Last evaluated: 2019-02-13. Review status: criteria provided, single submitter. Criteria: ACMG Guidelines, 2015. Collection method: research. Allele origin: unknown. Affected: yes. Observed: 2 variant alleles.

NIHR Bioresource Rare Diseases, University of Cambridge
Classification: Pathogenic for Movement disorder; Severe intellectual disability; Microcephaly; Sparse hair. Review status: no assertion criteria provided. Collection method: research. Allele origin: unknown. Affected: yes. Observed: 1 variant allele. Not counted in ClinVar's aggregate classification.

NIHR Bioresource Rare Diseases, University of Cambridge
Classification: Pathogenic for Movement disorder; Microcephaly; Sparse hair. Review status: no assertion criteria provided. Collection method: research. Allele origin: unknown. Affected: yes. Observed: 1 variant allele. Not counted in ClinVar's aggregate classification.

Literature cited by the submitters: PubMed 22277967 (cited by Natera, Inc. and Labcorp Genetics (formerly Invitae), Labcorp); PubMed 34650211 (cited by Natera, Inc. and Labcorp Genetics (formerly Invitae), Labcorp); PubMed 32581362 (cited by NIHR Bioresource Rare Diseases, University of Cambridge).

NM_001079866.2(BCS1L):c.268C>T (p.Arg90Cys)

Gene: BCS1L (BCS1 ubiquinol-cytochrome c reductase complex chaperone; plus strand). Cytogenetic location: 2q35.
Variant type: single nucleotide variant.
Coding change: c.268C>T on transcript NM_001079866.2 (MANE Select); coding-DNA position 268, C replaced by T.
Protein change: p.Arg90Cys; replaces arginine 90 with cysteine.
Molecular consequence: missense variant. On other transcripts: 5 prime UTR variant (5), non-coding transcript variant (1), intron variant (3).
Genome position (GRCh38, 1-based): chr2:218,661,255, C>T. VCF-style: chr2-218661255-C-T. GRCh37 (hg19) VCF-style: chr2-219525978-C-T.
Other names: c.268C>T, p.Arg90Cys (NM_001257342.2, NM_001257343.2, NM_001257344.2 and 10 more transcripts); c.-209C>T (NM_001371453.1, NM_001371454.1, NM_001371455.1 and 2 more transcripts); c.-40-151C>T (NM_001371451.1, NM_001318836.2); c.-41-504C>T (NM_001371452.1); short protein forms R90C.
Identifiers: ClinVar variation 625207 (VCV000625207.17), dbSNP rs369691608, ClinGen allele CA2109634.